The following is an entry in ClinVar:

NM_001374259.2(IL12RB2):c.1919T>C (p.Ile640Thr)

Gene: IL12RB2 (interleukin 12 receptor subunit beta 2; plus strand). Cytogenetic location: 1p31.3.
Variant type: single nucleotide variant.
Coding change: c.1919T>C on transcript NM_001374259.2 (MANE Select); coding-DNA position 1919, T replaced by C.
Protein change: p.Ile640Thr; replaces isoleucine 640 with threonine.
Molecular consequence: missense variant. On other transcripts: non-coding transcript variant (1), intron variant (1).
Genome position (GRCh38, 1-based): chr1:67,386,642, T>C. VCF-style: chr1-67386642-T-C. GRCh37 (hg19) VCF-style: chr1-67852325-T-C.
Other names: c.1919T>C, p.Ile640Thr (NM_001258214.1, NM_001319233.1, NM_001559.3); c.1661T>C, p.Ile554Thr (NM_001258215.1); c.1855+6519T>C (NM_001258216.1); short protein forms I554T, I640T.
Identifiers: ClinVar variation 1721073 (VCV001721073.5), dbSNP rs199787828, ClinGen allele CA900603.
Genomic context (GRCh38, chr1:67,386,642, plus strand): 5'-AAGCCAATTGGATGGCGTTTGTGGCACCAAGCATTTGCATTGCTATCATCATGGTGGGCA[T>C]TTTCTCAACGCATTACTTCCAGCAAAAGTGAGTTGGTTACACCTACCAAGTGGGTAAATG-3'
Protein context (NP_001361188.1, residues 630-650): SICIAIIMVG[Ile640Thr]FSTHYFQQKV

ClinVar aggregate classification (germline): Uncertain significance (1 of 4 stars; one submission).

Allele frequency attached by ClinVar (database versions not stated): gnomAD 0.00001; 1000 Genomes Project 30x 0.00016; 1000 Genomes Project 0.00020; ExAC 0.00001.
gnomAD v4.1: 1 of 1,612,838 alleles (0.000062%); highest among the groups gnomAD compares: African/African-American, 0.0013%; no homozygotes.

Submission:

Labcorp Genetics (formerly Invitae), Labcorp
Classification: Uncertain significance. Last evaluated: 2022-10-06. Review status: criteria provided, single submitter. Criteria: Invitae Variant Classification Sherloc (09022015). Collection method: clinical testing. Allele origin: germline.
Comment: In summary, the available evidence is currently insufficient to determine the role of this variant in disease. Therefore, it has been classified as a Variant of Uncertain Significance. Algorithms developed to predict the effect of missense changes on protein structure and function output the following: SIFT: "Tolerated"; PolyPhen-2: "Benign"; Align-GVGD: "Class C0". The threonine amino acid residue is found in multiple mammalian species, which suggests that this missense change does not adversely affect protein function. This variant has not been reported in the literature in individuals affected with IL12RB2-related conditions. This variant is present in population databases (rs199787828, gnomAD 0.007%). This sequence change replaces isoleucine, which is neutral and non-polar, with threonine, which is neutral and polar, at codon 640 of the IL12RB2 protein (p.Ile640Thr).